The following is an entry in ClinVar:

NM_003321.5(TUFM):c.374A>G (p.Tyr125Cys)

Gene: TUFM (Tu translation elongation factor, mitochondrial; minus strand). Cytogenetic location: 16p11.2.
Variant type: single nucleotide variant.
Coding change: c.374A>G on transcript NM_003321.5 (MANE Select); coding-DNA position 374, A replaced by G.
Protein change: p.Tyr125Cys; replaces tyrosine 125 with cysteine.
Molecular consequence: missense variant.
Genome position (GRCh38, 1-based): chr16:28,845,354, T>C on the plus strand (A>G on the coding strand, the complement: TUFM is on the minus strand). VCF-style: chr16-28845354-T-C. GRCh37 (hg19) VCF-style: chr16-28856675-T-C.
Other names: c.374A>G, p.Tyr125Cys (NM_001365360.2); short protein forms Y125C.
Identifiers: ClinVar variation 1712090 (VCV001712090.2), dbSNP rs1031324612, ClinGen allele CA279238671.

ClinVar aggregate classification (germline): Uncertain significance (1 of 4 stars; one submission).

Allele frequency attached by ClinVar (database versions not stated): gnomAD exomes 0.00001.

Submission:

GeneDx
Classification: Uncertain significance. Last evaluated: 2022-04-22. Review status: criteria provided, single submitter. Criteria: GeneDx Variant Classification Process June 2021. Collection method: clinical testing. Allele origin: germline. Affected: yes.
Comment: Not observed at significant frequency in large population cohorts (gnomAD); In silico analysis supports that this missense variant has a deleterious effect on protein structure/function; Has not been previously published as pathogenic or benign to our knowledge